The following is an entry in ClinVar:

ClinVar aggregate classification (germline): Pathogenic. Review status: criteria provided, multiple submitters, no conflicts (2 of 4 stars). 2 submissions from 2 submitters: Pathogenic (2). Last evaluated 2024-05-27.

Conditions:
DIAPH1-related disorders.
Progressive microcephaly-seizures-cortical blindness-developmental delay syndrome. Also called: Seizures, cortical blindness, and microcephaly syndrome. Identifiers: Orphanet 477814, MedGen C5567650, MONDO:0014714, OMIM 616632.
Autosomal dominant nonsyndromic hearing loss 1. Also called: DEAFNESS, AUTOSOMAL DOMINANT 1, WITH OR WITHOUT THROMBOCYTOPENIA; KONIGSMARK SYNDROME. Identifiers: Orphanet 90635, MedGen C1852282, MONDO:0007424, OMIM 124900.

Allele frequency attached by ClinVar (database versions not stated): TOPMed below 0.00001; gnomAD exomes 0.00003; ExAC 0.00005; gnomAD 0.00009.

Submissions (2):

Blueprint Genetics
Classification: Pathogenic for DIAPH1-related disorders. Last evaluated: 2024-05-27. Review status: criteria provided, single submitter. Criteria: ACMG Guidelines, 2015. Collection method: clinical testing. Allele origin: germline. Affected: yes. Observed: 5 variant alleles.

Labcorp Genetics (formerly Invitae), Labcorp
Classification: Pathogenic for Progressive microcephaly-seizures-cortical blindness-developmental delay syndrome; Autosomal dominant nonsyndromic hearing loss 1. Last evaluated: 2022-10-23. Review status: criteria provided, single submitter. Criteria: Invitae Variant Classification Sherloc (09022015). Collection method: clinical testing. Allele origin: germline.
Comment: For these reasons, this variant has been classified as Pathogenic. Algorithms developed to predict the effect of sequence changes on RNA splicing suggest that this variant may disrupt the consensus splice site. Studies have shown that disruption of this splice site alters DIAPH1 gene expression (PMID: 33662367). Disruption of this splice site has been observed in individual(s) with autosomal recessive DIAPH1-related conditions (PMID: 33662367). It has also been observed to segregate with disease in related individuals. This variant is present in population databases (rs766545876, gnomAD 0.1%). This sequence change affects a donor splice site in intron 7 of the DIAPH1 gene. It is expected to disrupt RNA splicing. Variants that disrupt the donor or acceptor splice site typically lead to a loss of protein function (PMID: 16199547), and loss-of-function variants in DIAPH1 are known to be pathogenic (PMID: 24781755, 26463574).

Literature cited by the submitters: PubMed 33662367 (cited by Labcorp Genetics (formerly Invitae), Labcorp); PubMed 16199547 (cited by Labcorp Genetics (formerly Invitae), Labcorp); PubMed 24781755 (cited by Labcorp Genetics (formerly Invitae), Labcorp); PubMed 26463574 (cited by Labcorp Genetics (formerly Invitae), Labcorp).

NM_005219.5(DIAPH1):c.684+1G>A

Gene: DIAPH1 (diaphanous related formin 1; minus strand). Cytogenetic location: 5q31.3.
Variant type: single nucleotide variant.
Coding change: c.684+1G>A on transcript NM_005219.5 (MANE Select); the canonical splice donor site of the intron after coding-DNA position 684, G replaced by A.
Molecular consequence: splice donor variant.
Genome position (GRCh38, 1-based): chr5:141,582,311, C>T on the plus strand (G>A on the coding strand, the complement: DIAPH1 is on the minus strand). VCF-style: chr5-141582311-C-T. GRCh37 (hg19) VCF-style: chr5-140961878-C-T.
Other names: c.657+1G>A (NM_001079812.3); c.684+1G>A (NM_001314007.2).
Identifiers: ClinVar variation 2935331 (VCV002935331.4), dbSNP rs766545876, ClinGen allele CA3479526.
Genomic context (GRCh38, chr5:141,582,311, plus strand): 5'-AATAGAAGAGAAAGAACAGGCGTCCAGATGGGGTTTGGAATGAGAATGGGAAAAATCTCA[C>T]CTTGTTGTTCATAAAAGCTTTCAAGCAGCGAATGATCTCATGCTTGTTCCGGCTATCGTA-3'